The following is an entry in ClinVar:

ClinVar aggregate classification (germline): Benign (1 of 4 stars; one submission).

Allele frequency attached by ClinVar (database versions not stated): gnomAD exomes 0.00027; gnomAD 0.00232; 1000 Genomes Project 0.00280; 1000 Genomes Project 30x 0.00297; TOPMed 0.00314.
gnomAD v4.1: 420 of 398,672 alleles (0.11%); highest among the groups gnomAD compares: African/African-American, 0.82%; 1 homozygote.

Submission:

CeGaT Center for Human Genetics Tuebingen
Classification: Benign. Last evaluated: 2025-11-01. Review status: criteria provided, single submitter. Criteria: CeGaT Center For Human Genetics Tuebingen Variant Classification Criteria Version 2. Collection method: clinical testing. Allele origin: germline. Affected: yes. Observed: 2 variant alleles.
Comment: KCNQ1OT1: BS1, BS2

NM_000218.3(KCNQ1):c.1514+2739T>C

Genes: KCNQ1 (potassium voltage-gated channel subfamily Q member 1; plus strand), KCNQ1OT1 (KCNQ1 opposite strand/antisense transcript 1; minus strand). Cytogenetic location: 11p15.5.
Variant type: single nucleotide variant.
Coding change: c.1514+2739T>C on transcript NM_000218.3 (MANE Select); 2739 bases into the intron after coding-DNA position 1514, T replaced by C.
Molecular consequence: intron variant. On other transcripts: non-coding transcript variant (1).
Genome position (GRCh38, 1-based): chr11:2,664,820, T>C. VCF-style: chr11-2664820-T-C. GRCh37 (hg19) VCF-style: chr11-2686050-T-C.
Other names: c.1244+2739T>C (NM_001406837.1); c.1418+2739T>C (NM_001406836.1); c.974+2739T>C (NM_001406838.1); c.1133+2739T>C (NM_181798.2).
Identifiers: ClinVar variation 2641455 (VCV002641455.24), dbSNP rs140923605, ClinGen allele CA216173411.
Genomic context (GRCh38, chr11:2,664,820, plus strand): 5'-ACAGGGGGCAGAGTGGGTGGGAGGCAGTTACCAAAAAACATTTCCATTTTTCTTCAGCAT[T>C]CTACTGATGTTAAATGTATTACCATGCTGGGCCAGTTCCAGAATTCAAATTAAAAACATA-3'